The following is an entry in ClinVar:

NM_003748.4(ALDH4A1):c.645C>T (p.Ile215=)

Gene: ALDH4A1 (aldehyde dehydrogenase 4 family member A1; minus strand). Cytogenetic location: 1p36.13.
Variant type: single nucleotide variant.
Coding change: c.645C>T on transcript NM_003748.4 (MANE Select); coding-DNA position 645, C replaced by T.
Protein change: p.Ile215=; no amino-acid change (isoleucine 215 retained).
Molecular consequence: synonymous variant.
Genome position (GRCh38, 1-based): chr1:18,883,157, G>A on the plus strand (C>T on the coding strand, the complement: ALDH4A1 is on the minus strand). VCF-style: chr1-18883157-G-A. GRCh37 (hg19) VCF-style: chr1-19209651-G-A.
Other names: c.465C>T, p.Ile155= (NM_001161504.2); c.645C>T, p.Ile215= (NM_001319218.2, NM_170726.3).
Identifiers: ClinVar variation 2194171 (VCV002194171.20), dbSNP rs572505352, ClinGen allele CA647288.

ClinVar aggregate classification (germline): Likely benign. Review status: criteria provided, multiple submitters, no conflicts (2 of 4 stars). 2 submissions from 2 submitters: Likely benign (2). Last evaluated 2024-08-01.

Conditions:
Hyperprolinemia type 2 (HYRPRO2). Also called: 1-PYRROLINE-5-CARBOXYLATE DEHYDROGENASE DEFICIENCY; Deficiency of pyrroline-5-carboxylate reductase; Delta-1-pyrroline-5-carboxylate dehydrogenase deficiency. Identifiers: Orphanet 79101, MedGen C2931835, MONDO:0009401, OMIM 239510.

Allele frequency attached by ClinVar (database versions not stated): ExAC 0.00003; TOPMed 0.00003; gnomAD 0.00004; gnomAD exomes 0.00005; 1000 Genomes Project 30x 0.00016; 1000 Genomes Project 0.00020.
gnomAD v4.1: 79 of 1,613,162 alleles (0.0049%); highest among the groups gnomAD compares: Admixed American, 0.0083%; no homozygotes.

Submissions (2):

CeGaT Center for Human Genetics Tuebingen
Classification: Likely benign. Last evaluated: 2024-08-01. Review status: criteria provided, single submitter. Criteria: CeGaT Center For Human Genetics Tuebingen Variant Classification Criteria Version 2. Collection method: clinical testing. Allele origin: germline. Affected: yes. Observed: 1 variant allele.
Comment: ALDH4A1: BP4, BP7

Labcorp Genetics (formerly Invitae), Labcorp
Classification: Likely benign for Hyperprolinemia type 2. Last evaluated: 2023-02-20. Review status: criteria provided, single submitter. Criteria: Invitae Variant Classification Sherloc (09022015). Collection method: clinical testing. Allele origin: germline.